The following is an entry in ClinVar:

ClinVar aggregate classification (germline): Uncertain significance (1 of 4 stars; one submission).

Allele frequency attached by ClinVar (database versions not stated): ExAC 0.00001; gnomAD 0.00001; TOPMed 0.00001; ESP Exome Variant Server 0.00008.
gnomAD v4.1: 2 of 1,613,990 alleles (0.00012%); highest among the groups gnomAD compares: African/African-American, 0.0027%; no homozygotes.

Submission:

Labcorp Genetics (formerly Invitae), Labcorp
Classification: Uncertain significance. Last evaluated: 2024-10-21. Review status: criteria provided, single submitter. Criteria: Invitae Variant Classification Sherloc (09022015). Collection method: clinical testing. Allele origin: germline.
Comment: This sequence change replaces proline, which is neutral and non-polar, with serine, which is neutral and polar, at codon 614 of the AXL protein (p.Pro614Ser). This variant is not present in population databases (gnomAD no frequency). This variant has not been reported in the literature in individuals affected with AXL-related conditions. Invitae Evidence Modeling of protein sequence and biophysical properties (such as structural, functional, and spatial information, amino acid conservation, physicochemical variation, residue mobility, and thermodynamic stability) indicates that this missense variant is expected to disrupt AXL protein function with a positive predictive value of 80%. In summary, the available evidence is currently insufficient to determine the role of this variant in disease. Therefore, it has been classified as a Variant of Uncertain Significance.

NM_021913.5(AXL):c.1840C>T (p.Pro614Ser)

Gene: AXL (AXL receptor tyrosine kinase; plus strand). Cytogenetic location: 19q13.2.
Variant type: single nucleotide variant.
Coding change: c.1840C>T on transcript NM_021913.5 (MANE Select); coding-DNA position 1840, C replaced by T.
Protein change: p.Pro614Ser; replaces proline 614 with serine.
Molecular consequence: missense variant.
Genome position (GRCh38, 1-based): chr19:41,252,881, C>T. VCF-style: chr19-41252881-C-T. GRCh37 (hg19) VCF-style: chr19-41758786-C-T.
Other names: c.1036C>T, p.Pro346Ser (NM_001278599.2); c.1813C>T, p.Pro605Ser (NM_001699.6); short protein forms P614S, P605S, P346S.
Identifiers: ClinVar variation 2792960 (VCV002792960.3), dbSNP rs140047155, ClinGen allele CA9458481.